The following is an entry in ClinVar:

ClinVar aggregate classification (germline): Likely benign. Review status: criteria provided, multiple submitters, no conflicts (2 of 4 stars). 2 submissions from 2 submitters: Likely benign (2). Last evaluated 2026-01-25.

Conditions:
DCHS1-related disorder. Also called: DCHS1-related condition.

Allele frequency attached by ClinVar (database versions not stated): gnomAD 0.00003; TOPMed 0.00011; ExAC 0.00020.
gnomAD v4.1: 66 of 1,611,616 alleles (0.0041%); highest among the groups gnomAD compares: Admixed American, 0.11%; no homozygotes.

Submissions (2):

Labcorp Genetics (formerly Invitae), Labcorp
Classification: Likely benign. Last evaluated: 2026-01-25. Review status: criteria provided, single submitter. Criteria: Invitae Variant Classification Sherloc (09022015). Collection method: clinical testing. Allele origin: germline.

PreventionGenetics, part of Exact Sciences
Classification: Likely benign for DCHS1-related condition. Last evaluated: 2025-11-14. Review status: criteria provided, single submitter. Criteria: ACMG Guidelines, 2015. Collection method: clinical testing. Allele origin: germline.
Comment: This variant is classified as likely benign based on ACMG/AMP sequence variant interpretation guidelines (Richards et al. 2015 PMID: 25741868, with internal and published modifications).

NM_003737.4(DCHS1):c.6952C>T (p.Pro2318Ser)

Gene: DCHS1 (dachsous cadherin-related 1; minus strand). Cytogenetic location: 11p15.4.
Variant type: single nucleotide variant.
Coding change: c.6952C>T on transcript NM_003737.4 (MANE Select); coding-DNA position 6952, C replaced by T.
Protein change: p.Pro2318Ser; replaces proline 2318 with serine.
Molecular consequence: missense variant.
Genome position (GRCh38, 1-based): chr11:6,625,392, G>A on the plus strand (C>T on the coding strand, the complement: DCHS1 is on the minus strand). VCF-style: chr11-6625392-G-A. GRCh37 (hg19) VCF-style: chr11-6646623-G-A.
Other names: c.6952C>T (NM_003737.3); short protein forms P2318S.
Identifiers: ClinVar variation 2068254 (VCV002068254.5), dbSNP rs763647132, ClinGen allele CA5859728.
Genomic context (GRCh38, chr11:6,625,392, plus strand): 5'-CCAGGGGCCCCGTGAGGGAGACACGGCCTCCATAGCGGCCAACACTGAAGGGATCCTGGG[G>A]CCCAGATGGGCTTAGCACATACCACAGCACGGGTCCTGAGTCCACATCATTCCCTGTTAC-3'
Protein context (NP_003728.1, residues 2308-2328): VLWYVLSPSG[Pro2318Ser]QDPFSVGRYG